The following is an entry in ClinVar:

NM_001134363.3(RBM20):c.1093G>A (p.Gly365Arg)

Gene: RBM20 (RNA binding motif protein 20; plus strand). Cytogenetic location: 10q25.2.
Variant type: single nucleotide variant.
Coding change: c.1093G>A on transcript NM_001134363.3 (MANE Select); coding-DNA position 1093, G replaced by A.
Protein change: p.Gly365Arg; replaces glycine 365 with arginine.
Molecular consequence: missense variant.
Genome position (GRCh38, 1-based): chr10:110,781,702, G>A. VCF-style: chr10-110781702-G-A. GRCh37 (hg19) VCF-style: chr10-112541460-G-A.
Other names: p.G365R:GGG>AGG; short protein forms G365R.
Identifiers: ClinVar variation 178877 (VCV000178877.22), dbSNP rs201047984, ClinGen allele CA183210.

ClinVar aggregate classification (germline): Conflicting classifications of pathogenicity. Review status: criteria provided, conflicting classifications (1 of 4 stars). 5 submissions from 5 submitters: Uncertain significance (1); Benign (1); Likely benign (3). Last evaluated 2025-12-17.

Conditions:
Cardiovascular phenotype. Identifiers: MedGen CN230736.
Dilated cardiomyopathy 1DD (CMD1DD). Identifiers: Orphanet 154, MedGen C2750995, MONDO:0013168, OMIM 613172.

Allele frequency attached by ClinVar (database versions not stated): gnomAD 0.00005 and 0.00017; TOPMed 0.00006; 1000 Genomes Project 30x 0.00062; 1000 Genomes Project 0.00080; gnomAD exomes 0.00081; ExAC 0.00225.
gnomAD v4.1: 437 of 1,550,684 alleles (0.028%); highest among the groups gnomAD compares: South Asian, 0.46%; 5 homozygotes.

Submissions (5):

Labcorp Genetics (formerly Invitae), Labcorp
Classification: Benign for Dilated cardiomyopathy 1DD. Last evaluated: 2025-12-17. Review status: criteria provided, single submitter. Criteria: Invitae Variant Classification Sherloc (09022015). Collection method: clinical testing. Allele origin: germline.

Blueprint Genetics
Classification: Likely benign. Last evaluated: 2024-04-09. Review status: criteria provided, single submitter. Criteria: ACMG Guidelines, 2015. Collection method: clinical testing. Allele origin: germline.

Ambry Genetics
Classification: Likely benign for Cardiovascular phenotype. Last evaluated: 2019-06-19. Review status: criteria provided, single submitter. Criteria: Ambry Variant Classification Scheme 2023. Collection method: clinical testing. Allele origin: germline.

Laboratory for Molecular Medicine, Mass General Brigham Personalized Medicine
Classification: Likely benign. Last evaluated: 2017-05-02. Review status: criteria provided, single submitter. Criteria: LMM Criteria. Collection method: clinical testing. Allele origin: germline. Observed: 3 variant alleles.
Comment: p.Gly365Arg in exon 2 of RBM20: This variant is not expected to have clinical si gnificance because it has been identified in 0.5% (119/22735) of South Asian chr omosomes, including 2 homozygotes, by the Genome Aggregation Database (gnomAD; dbSNP rs201047984).

GeneDx
Classification: Uncertain significance. Last evaluated: 2012-11-30. Review status: criteria provided, single submitter. Criteria: GeneDx Variant Classification (06012015). Collection method: clinical testing. Allele origin: germline. Affected: yes.
Comment: Gly365Arg (GGG>AGG):c.1093 G>A in exon 2 of the RBM20 gene (NM_001134363.1). The Gly365Arg variant in the RBM20 gene has not been reported as a disease-causing mutation or as a benign polymorphism to our knowledge. Gly365Arg results in a non-conservative amino acid substitution of a non-polar Glycine with a positively-charged Arginine at a position that is conserved across species. In silico analysis predicts Gly365Arg is probably damaging to the protein structure/function. Gly365Arg was absent from the 1000 Genomes database, and the NHLBI ESP Exome Variant Server reports Gly365Arg was not observed in approximately 2000 samples from individuals of European and African American backgrounds, indicating it is not a common benign variant in these populations. However, data from ethnically-matched control individuals were not available to assess for a population-specific benign variant. In addition, there are no mutations reported near Gly365Arg indicating this region of the protein may be tolerant of change. With the clinical and molecular information available at this time, we cannot definitively determine if Gly365Arg is a disease-causing mutation or a rare benign variant. The variant is found in DCM panel(s).